The following is an entry in ClinVar:

NM_000222.3(KIT):c.954G>A (p.Met318Ile)

Gene: KIT (KIT proto-oncogene, receptor tyrosine kinase; plus strand). Cytogenetic location: 4q12.
Variant type: single nucleotide variant.
Coding change: c.954G>A on transcript NM_000222.3 (MANE Select); coding-DNA position 954, G replaced by A.
Protein change: p.Met318Ile; replaces methionine 318 with isoleucine.
Molecular consequence: missense variant.
Genome position (GRCh38, 1-based): chr4:54,707,126, G>A. VCF-style: chr4-54707126-G-A. GRCh37 (hg19) VCF-style: chr4-55573292-G-A.
Other names: c.954G>A, p.Met318Ile (NM_001093772.2, NM_001385285.1, NM_001385286.1); c.957G>A, p.Met319Ile (NM_001385284.1, NM_001385288.1, NM_001385290.1 and 1 more transcripts); short protein forms M318I, M319I.
Identifiers: ClinVar variation 237287 (VCV000237287.15), dbSNP rs769399180, ClinGen allele CA2923351.

ClinVar aggregate classification (germline): Uncertain significance. Review status: criteria provided, multiple submitters, no conflicts (2 of 4 stars). 3 submissions from 3 submitters: Uncertain significance (3). Last evaluated 2025-10-24.

Conditions:
Hereditary cancer-predisposing syndrome. Also called: Neoplastic Syndromes, Hereditary; Hereditary neoplastic syndrome; Hereditary Cancer Syndrome; Tumor predisposition. Identifiers: Orphanet 140162, MedGen C0027672, MeSH D009386, MONDO:0015356.
Gastrointestinal stromal tumor. Also called: Gastrointestinal stromal tumor, somatic; Gastrointestinal stroma tumor. Identifiers: Orphanet 44890, MedGen C0238198, MeSH D046152, MONDO:0011719, OMIM 606764, HP:0100723.

Allele frequency attached by ClinVar (database versions not stated): ExAC 0.00001; gnomAD 0.00001; gnomAD exomes 0.00001.
gnomAD v4.1: 10 of 1,562,954 alleles (0.00064%); highest among the groups gnomAD compares: South Asian, 0.0089%; 1 homozygote.

Submissions (3):

Labcorp Genetics (formerly Invitae), Labcorp
Classification: Uncertain significance for Gastrointestinal stromal tumor. Last evaluated: 2025-10-24. Review status: criteria provided, single submitter. Criteria: Invitae Variant Classification Sherloc (09022015). Collection method: clinical testing. Allele origin: germline.
Comment: This sequence change replaces methionine, which is neutral and non-polar, with isoleucine, which is neutral and non-polar, at codon 318 of the KIT protein (p.Met318Ile). This variant is present in population databases (rs769399180, gnomAD 0.007%). This variant has not been reported in the literature in individuals affected with KIT-related conditions. ClinVar contains an entry for this variant (Variation ID: 237287). An algorithm developed to predict the effect of missense changes on protein structure and function outputs the following: PolyPhen-2: "Benign". The isoleucine amino acid residue is found in multiple mammalian species, which suggests that this missense change does not adversely affect protein function. In summary, the available evidence is currently insufficient to determine the role of this variant in disease. Therefore, it has been classified as a Variant of Uncertain Significance.

Ambry Genetics
Classification: Uncertain significance for Hereditary cancer-predisposing syndrome. Last evaluated: 2024-11-11. Review status: criteria provided, single submitter. Criteria: Ambry Variant Classification Scheme 2023. Collection method: clinical testing. Allele origin: germline.
Comment: The p.M318I variant (also known as c.954G>A), located in coding exon 6 of the KIT gene, results from a G to A substitution at nucleotide position 954. The methionine at codon 318 is replaced by isoleucine, an amino acid with highly similar properties. This amino acid position is conserved. In addition, this alteration is predicted to be tolerated by in silico analysis. Since supporting evidence is limited at this time, the clinical significance of this alteration remains unclear.

Baylor Genetics
Classification: Uncertain significance for Gastrointestinal stromal tumor. Last evaluated: 2023-09-20. Review status: criteria provided, single submitter. Criteria: ACMG Guidelines, 2015. Collection method: clinical testing. Allele origin: unknown.